The following is an entry in ClinVar:

ClinVar aggregate classification (germline): Conflicting classifications of pathogenicity. Review status: criteria provided, conflicting classifications (1 of 4 stars). 4 submissions from 4 submitters: Uncertain significance (2); Benign (1). 1 of the submissions does not count toward it. Last evaluated 2025-06-08.

Conditions:
SOX11-related disorder. Also called: SOX11-related condition.
Hypogonadotropic hypogonadism. Also called: Low gonadotropins (secondary hypogonadism); Hypogonadotropic hypogonadism with or without anosmia; Hypogonadotrophic hypogonadism; Isolated hypogonadotropic hypogonadism. Identifiers: Orphanet 432, MedGen C0271623, MONDO:0018555, HP:0000044.

Allele frequency attached by ClinVar (database versions not stated): 1000 Genomes Project 0.00060; 1000 Genomes Project 30x 0.00094.
gnomAD v4.1: 104 of 1,563,562 alleles (0.0067%); highest among the groups gnomAD compares: African/African-American, 0.064%; no homozygotes.

Submissions (4):

Labcorp Genetics (formerly Invitae), Labcorp
Classification: Benign. Last evaluated: 2025-06-08. Review status: criteria provided, single submitter. Criteria: Invitae Variant Classification Sherloc (09022015). Collection method: clinical testing. Allele origin: germline.

Reproductive Endocrine Unit, Massachusetts General Hospital
Classification: Uncertain significance for HYPOGONADOTROPIC HYPOGONADISM. Last evaluated: 2024-06-25. Review status: criteria provided, single submitter. Criteria: ACMG Guidelines, 2015. Collection method: research. Allele origin: unknown. Affected: yes.
Comment: PP2,BP4

GeneDx
Classification: Uncertain significance. Last evaluated: 2021-01-05. Review status: criteria provided, single submitter. Criteria: GeneDx Variant Classification Process June 2021. Collection method: clinical testing. Allele origin: germline. Affected: yes.
Comment: In silico analysis supports that this missense variant does not alter protein structure/function; Has not been previously published as pathogenic or benign to our knowledge

PreventionGenetics, part of Exact Sciences
Classification: Likely benign for SOX11-related condition. Last evaluated: 2022-05-16. Review status: no assertion criteria provided. Collection method: clinical testing. Allele origin: germline. Not counted in ClinVar's aggregate classification.
Comment: This variant is classified as likely benign based on ACMG/AMP sequence variant interpretation guidelines (Richards et al. 2015 PMID: 25741868, with internal and published modifications).

NM_003108.4(SOX11):c.588C>A (p.Asp196Glu)

Gene: SOX11 (SRY-box transcription factor 11; plus strand). Cytogenetic location: 2p25.2.
Variant type: single nucleotide variant.
Coding change: c.588C>A on transcript NM_003108.4 (MANE Select); coding-DNA position 588, C replaced by A.
Protein change: p.Asp196Glu; replaces aspartic acid 196 with glutamic acid.
Molecular consequence: missense variant.
Genome position (GRCh38, 1-based): chr2:5,693,309, C>A. VCF-style: chr2-5693309-C-A. GRCh37 (hg19) VCF-style: chr2-5833441-C-A.
Other names: short protein forms D196E.
Identifiers: ClinVar variation 1304614 (VCV001304614.9), dbSNP rs544581532, ClinGen allele CA1517859.